The following is an entry in ClinVar:

NM_001363711.2(DUOX2):c.4462A>T (p.Thr1488Ser)

Gene: DUOX2 (dual oxidase 2; minus strand). Cytogenetic location: 15q21.1.
Variant type: single nucleotide variant.
Coding change: c.4462A>T on transcript NM_001363711.2 (MANE Select); coding-DNA position 4462, A replaced by T.
Protein change: p.Thr1488Ser; replaces threonine 1488 with serine.
Molecular consequence: missense variant.
Genome position (GRCh38, 1-based): chr15:45,094,625, T>A on the plus strand (A>T on the coding strand, the complement: DUOX2 is on the minus strand). VCF-style: chr15-45094625-T-A. GRCh37 (hg19) VCF-style: chr15-45386823-T-A.
Other names: c.4462A>T, p.Thr1488Ser (NM_014080.5); short protein forms T1488S.
Identifiers: ClinVar variation 2702956 (VCV002702956.1), dbSNP rs2504736345, ClinGen allele CA392249920.

ClinVar aggregate classification (germline): Uncertain significance (1 of 4 stars; one submission).

Allele frequency attached by ClinVar (database versions not stated): gnomAD exomes below 0.00001.
gnomAD v4.1: 1 of 1,613,860 alleles (0.000062%); highest among the groups gnomAD compares: Non-Finnish European, 0.000085%; no homozygotes.

Submission:

Labcorp Genetics (formerly Invitae), Labcorp
Classification: Uncertain significance. Last evaluated: 2023-12-13. Review status: criteria provided, single submitter. Criteria: Invitae Variant Classification Sherloc (09022015). Collection method: clinical testing. Allele origin: germline.
Comment: This sequence change replaces threonine, which is neutral and polar, with serine, which is neutral and polar, at codon 1488 of the DUOX2 protein (p.Thr1488Ser). This variant is not present in population databases (gnomAD no frequency). This variant has not been reported in the literature in individuals affected with DUOX2-related conditions. Advanced modeling of protein sequence and biophysical properties (such as structural, functional, and spatial information, amino acid conservation, physicochemical variation, residue mobility, and thermodynamic stability) performed at Invitae indicates that this missense variant is not expected to disrupt DUOX2 protein function with a negative predictive value of 95%. In summary, the available evidence is currently insufficient to determine the role of this variant in disease. Therefore, it has been classified as a Variant of Uncertain Significance.